The following is an entry in ClinVar:

NM_001330.5(CTF1):c.502_504del (p.Phe168del)

Genes: CTF1 (cardiotrophin 1; plus strand), LOC130058878 (ATAC-STARR-seq lymphoblastoid silent region 7400; plus strand). Cytogenetic location: 16p11.2.
Variant type: Deletion.
Coding change: c.502_504del on transcript NM_001330.5 (MANE Select); coding-DNA positions 502 to 504, 3 bases deleted (TTC; older notation c.502_504delTTC).
Protein change: p.Phe168del; deletes phenylalanine 168.
Molecular consequence: inframe deletion. On other transcripts: non-coding transcript variant (1).
Genome position (GRCh38, 1-based): chr16:30,902,435-30,902,437, TTC deleted; deleting any 3 consecutive bases within chr16:30,902,433-30,902,437 gives the same sequence; the c. name uses the placement nearest the transcript's 3' end. VCF-style (leftmost placement, unchanged base first): chr16-30902432-GTCT-G. GRCh37 (hg19) VCF-style: chr16-30913753-GTCT-G.
Other names: c.499_501del, p.Phe167del (NM_001142544.3); short protein forms F168del, F167del.
Identifiers: ClinVar variation 2027680 (VCV002027680.4), dbSNP rs2543741745, ClinGen allele CA2580091508.

ClinVar aggregate classification (germline): Uncertain significance (1 of 4 stars; one submission).

Submission:

Labcorp Genetics (formerly Invitae), Labcorp
Classification: Uncertain significance. Last evaluated: 2022-10-17. Review status: criteria provided, single submitter. Criteria: Invitae Variant Classification Sherloc (09022015). Collection method: clinical testing. Allele origin: germline.
Comment: In summary, the available evidence is currently insufficient to determine the role of this variant in disease. Therefore, it has been classified as a Variant of Uncertain Significance. Experimental studies and prediction algorithms are not available or were not evaluated, and the functional significance of this variant is currently unknown. This variant has not been reported in the literature in individuals affected with CTF1-related conditions. This variant is not present in population databases (gnomAD no frequency). This variant, c.502_504del, results in the deletion of 1 amino acid(s) of the CTF1 protein (p.Phe168del), but otherwise preserves the integrity of the reading frame.